The following is an entry in ClinVar:

ClinVar aggregate classification (germline): Uncertain significance (1 of 4 stars; one submission).

Conditions:
Infantile-onset X-linked spinal muscular atrophy. Also called: Spinal Muscular Atrophy, X-Linked Infantile; Spinal muscular atrophy, X-linked 2; AMC, DISTAL, X-LINKED; ARTHROGRYPOSIS, X-LINKED, TYPE I; SPINAL MUSCULAR ATROPHY, X-LINKED LETHAL INFANTILE. Identifiers: Orphanet 1145, MedGen C1844934, MONDO:0010532, OMIM 301830.

Submission:

Labcorp Genetics (formerly Invitae), Labcorp
Classification: Uncertain significance for Infantile-onset X-linked spinal muscular atrophy. Last evaluated: 2023-01-05. Review status: criteria provided, single submitter. Criteria: Invitae Variant Classification Sherloc (09022015). Collection method: clinical testing. Allele origin: germline.
Comment: This variant has not been reported in the literature in individuals affected with UBA1-related conditions. In summary, the available evidence is currently insufficient to determine the role of this variant in disease. Therefore, it has been classified as a Variant of Uncertain Significance. Algorithms developed to predict the effect of sequence changes on RNA splicing suggest that this variant may create or strengthen a splice site. This variant is not present in population databases (gnomAD no frequency). This sequence change falls in intron 20 of the UBA1 gene. It does not directly change the encoded amino acid sequence of the UBA1 protein.

NM_003334.4(UBA1):c.2464+7G>T

Gene: UBA1 (ubiquitin like modifier activating enzyme 1; plus strand). Cytogenetic location: Xp11.3.
Variant type: single nucleotide variant.
Coding change: c.2464+7G>T on transcript NM_003334.4 (MANE Select); 7 bases into the intron after coding-DNA position 2464, G replaced by T.
Molecular consequence: intron variant.
Genome position (GRCh38, 1-based): chrX:47,211,232, G>T. VCF-style: chrX-47211232-G-T. GRCh37 (hg19) VCF-style: chrX-47070631-G-T.
Other names: c.2464+7G>T (NM_153280.3).
Identifiers: ClinVar variation 2987153 (VCV002987153.3), dbSNP rs1936901637, ClinGen allele CA2427846818.